The following is an entry in ClinVar:

ClinVar aggregate classification (germline): Likely benign. Review status: criteria provided, multiple submitters, no conflicts (2 of 4 stars). 2 submissions from 2 submitters: Likely benign (2). Last evaluated 2026-05-23.

Conditions:
GREB1L-related disorder. Also called: GREB1L-related condition.

Allele frequency attached by ClinVar (database versions not stated): gnomAD 0.00005; gnomAD exomes 0.00005; TOPMed 0.00010.
gnomAD v4.1: 84 of 1,551,574 alleles (0.0054%); highest among the groups gnomAD compares: Admixed American, 0.051%; no homozygotes.

Submissions (2):

PreventionGenetics, part of Exact Sciences
Classification: Likely benign for GREB1L-related condition. Last evaluated: 2026-05-23. Review status: criteria provided, single submitter. Criteria: ACMG Guidelines, 2015. Collection method: clinical testing. Allele origin: germline.
Comment: This variant is classified as likely benign based on ACMG/AMP sequence variant interpretation guidelines (Richards et al. 2015 PMID: 25741868, with internal and published modifications).

Labcorp Genetics (formerly Invitae), Labcorp
Classification: Likely benign. Last evaluated: 2025-06-12. Review status: criteria provided, single submitter. Criteria: Invitae Variant Classification Sherloc (09022015). Collection method: clinical testing. Allele origin: germline.

NM_001142966.3(GREB1L):c.5088C>T (p.Leu1696=)

Gene: GREB1L (GREB1 like retinoic acid receptor coactivator; plus strand). Cytogenetic location: 18q11.2.
Variant type: single nucleotide variant.
Coding change: c.5088C>T on transcript NM_001142966.3 (MANE Select); coding-DNA position 5088, C replaced by T.
Protein change: p.Leu1696=; no amino-acid change (leucine 1696 retained).
Molecular consequence: synonymous variant.
Genome position (GRCh38, 1-based): chr18:21,515,603, C>T. VCF-style: chr18-21515603-C-T. GRCh37 (hg19) VCF-style: chr18-19095564-C-T.
Other names: c.5088C>T (NM_001142966.1); c.5217C>T, p.Leu1739= (NM_001410867.1); c.4761C>T, p.Leu1587= (NM_001410868.1).
Identifiers: ClinVar variation 2715466 (VCV002715466.4), dbSNP rs1020832249, ClinGen allele CA296934945.